The following is an entry in ClinVar:

NM_005055.5(RAPSN):c.*57C>T

Gene: RAPSN (receptor associated protein of the synapse; minus strand). Cytogenetic location: 11p11.2.
Variant type: single nucleotide variant.
Coding change: c.*57C>T on transcript NM_005055.5 (MANE Select); 57 bases downstream of the stop codon, C replaced by T.
Molecular consequence: 3 prime UTR variant.
Genome position (GRCh38, 1-based): chr11:47,437,918, G>A on the plus strand (C>T on the coding strand, the complement: RAPSN is on the minus strand). VCF-style: chr11-47437918-G-A. GRCh37 (hg19) VCF-style: chr11-47459469-G-A.
Other names: NC_000011.9:g.47459469G>A; c.*57C>T (NM_032645.5).
Identifiers: ClinVar variation 304968 (VCV000304968.13), dbSNP rs45617144, ClinGen allele CA5976449.

ClinVar aggregate classification (germline): Benign. Review status: criteria provided, multiple submitters, no conflicts (2 of 4 stars). 6 submissions from 4 submitters: Benign (6). Last evaluated 2021-07-10.

Conditions:
Fetal akinesia deformation sequence 2. Identifiers: MedGen C4760576, MONDO:0100102, OMIM 618388.
Congenital myasthenic syndrome 11. Also called: MYASTHENIC SYNDROME, CONGENITAL, Ie; Myasthenic syndrome, congenital, 11, associated with acetylcholine receptor deficiency. Identifiers: Orphanet 590, MedGen C4225367, MONDO:0014588, OMIM 616326.
Fetal akinesia deformation sequence 1 (FADS1). Also called: Fetal akinesia sequence; Pena-Shokeir syndrome type I. Identifiers: Orphanet 994, MedGen C1276035, MONDO:0100101, OMIM 208150, HP:0001989.

Allele frequency attached by ClinVar (database versions not stated): 1000 Genomes Project 30x 0.07105; 1000 Genomes Project 0.07129; ExAC 0.09842; TOPMed 0.10176; gnomAD exomes 0.10220; gnomAD 0.10554 and 0.10726; ESP Exome Variant Server 0.11673.

Submissions (14):

Genome-Nilou Lab
Classification: Benign for Fetal akinesia deformation sequence 2. Last evaluated: 2021-07-10. Review status: criteria provided, single submitter. Criteria: ACMG Guidelines, 2015. Collection method: clinical testing. Allele origin: germline. Affected: no.

Genome-Nilou Lab
Classification: Benign for Congenital myasthenic syndrome 11. Last evaluated: 2021-07-10. Review status: criteria provided, single submitter. Criteria: ACMG Guidelines, 2015. Collection method: clinical testing. Allele origin: germline. Affected: no.

GeneDx
Classification: Benign. Last evaluated: 2018-07-08. Review status: criteria provided, single submitter. Criteria: GeneDx Variant Classification Process June 2021. Collection method: clinical testing. Allele origin: germline. Affected: yes.

Illumina Laboratory Services, Illumina
Classification: Benign for Fetal akinesia deformation sequence 1. Last evaluated: 2018-01-13. Review status: criteria provided, single submitter. Criteria: ICSL Variant Classification Criteria 13 December 2019. Collection method: clinical testing. Allele origin: germline.
Comment: This variant was observed in the ICSL laboratory as part of a predisposition screen in an ostensibly healthy population. It had not been previously curated by ICSL or reported in the Human Gene Mutation Database (HGMD: prior to June 1st, 2018), and was therefore a candidate for classification through an automated scoring system. Utilizing variant allele frequency, disease prevalence and penetrance estimates, and inheritance mode, an automated score was calculated to assess if this variant is too frequent to cause the disease. Based on the score and internal cut-off values, a variant classified as benign is not then subjected to further curation. The score for this variant resulted in a classification of benign for this disease.

Illumina Laboratory Services, Illumina
Classification: Benign for Congenital myasthenic syndrome 11. Last evaluated: 2018-01-13. Review status: criteria provided, single submitter. Criteria: ICSL Variant Classification Criteria 13 December 2019. Collection method: clinical testing. Allele origin: germline.
Comment: the same text as in the submission from Illumina Laboratory Services, Illumina above.

Breakthrough Genomics
Classification: Benign. Review status: criteria provided, single submitter. Criteria: ACMG Guidelines, 2015. Collection method: not provided. Allele origin: germline. Inheritance: Autosomal recessive inheritance. Affected: yes.

Dr. Peter K. Rogan Lab, Western University
No classification provided (evidence only). Condition: Acute myeloid leukemia. Review status: no classification provided. Collection method: in vitro. Allele origin: not applicable. Functional consequence: retained intron. Not counted in ClinVar's aggregate classification.

Dr. Peter K. Rogan Lab, Western University
No classification provided (evidence only). Condition: Malignant lymphoma, large B-cell, diffuse. Review status: no classification provided. Collection method: in vitro. Allele origin: not applicable. Functional consequence: retained intron. Not counted in ClinVar's aggregate classification.

Dr. Peter K. Rogan Lab, Western University
No classification provided (evidence only). Condition: Malignant lymphoma, large B-cell, diffuse. Review status: no classification provided. Collection method: in vitro. Allele origin: not applicable. Functional consequence: retained intron. Not counted in ClinVar's aggregate classification.

Dr. Peter K. Rogan Lab, Western University
No classification provided (evidence only). Condition: Nonpapillary renal cell carcinoma. Review status: no classification provided. Collection method: in vitro. Allele origin: not applicable. Functional consequence: retained intron. Not counted in ClinVar's aggregate classification.

Dr. Peter K. Rogan Lab, Western University
No classification provided (evidence only). Condition: Thymoma. Review status: no classification provided. Collection method: in vitro. Allele origin: not applicable. Functional consequence: retained intron. Not counted in ClinVar's aggregate classification.

Dr. Peter K. Rogan Lab, Western University
No classification provided (evidence only). Condition: Thymoma. Review status: no classification provided. Collection method: in vitro. Allele origin: not applicable. Functional consequence: retained intron. Not counted in ClinVar's aggregate classification.

Dr. Peter K. Rogan Lab, Western University
No classification provided (evidence only). Condition: Thymoma. Review status: no classification provided. Collection method: in vitro. Allele origin: not applicable. Functional consequence: retained intron. Not counted in ClinVar's aggregate classification.

Dr. Peter K. Rogan Lab, Western University
No classification provided (evidence only). Condition: Thymoma. Review status: no classification provided. Collection method: in vitro. Allele origin: not applicable. Functional consequence: retained intron. Not counted in ClinVar's aggregate classification.